The following is an entry in ClinVar:

ClinVar aggregate classification (germline): Uncertain significance (1 of 4 stars; one submission).

Conditions:
Aicardi-Goutieres syndrome 4. Identifiers: Orphanet 51, MedGen C1835912, MONDO:0012472, OMIM 610333.

Allele frequency attached by ClinVar (database versions not stated): TOPMed 0.00001; ExAC 0.00004; gnomAD exomes 0.00004 and 0.00006.

Submission:

Labcorp Genetics (formerly Invitae), Labcorp
Classification: Uncertain significance for Aicardi-Goutieres syndrome 4. Last evaluated: 2022-07-19. Review status: criteria provided, single submitter. Criteria: Invitae Variant Classification Sherloc (09022015). Collection method: clinical testing. Allele origin: germline.
Comment: This sequence change replaces alanine, which is neutral and non-polar, with glycine, which is neutral and non-polar, at codon 48 of the RNASEH2A protein (p.Ala48Gly). This variant is present in population databases (rs749085589, gnomAD 0.05%). This variant has not been reported in the literature in individuals affected with RNASEH2A-related conditions. ClinVar contains an entry for this variant (Variation ID: 858132). Algorithms developed to predict the effect of missense changes on protein structure and function output the following: SIFT: "Tolerated"; PolyPhen-2: "Benign"; Align-GVGD: "Class C0". The glycine amino acid residue is found in multiple mammalian species, which suggests that this missense change does not adversely affect protein function. In summary, the available evidence is currently insufficient to determine the role of this variant in disease. Therefore, it has been classified as a Variant of Uncertain Significance.

NM_006397.3(RNASEH2A):c.143C>G (p.Ala48Gly)

Gene: RNASEH2A (ribonuclease H2 subunit A; plus strand). Cytogenetic location: 19p13.13.
Variant type: single nucleotide variant.
Coding change: c.143C>G on transcript NM_006397.3 (MANE Select); coding-DNA position 143, C replaced by G.
Protein change: p.Ala48Gly; replaces alanine 48 with glycine.
Molecular consequence: missense variant.
Genome position (GRCh38, 1-based): chr19:12,807,023, C>G. VCF-style: chr19-12807023-C-G. GRCh37 (hg19) VCF-style: chr19-12917837-C-G.
Other names: short protein forms A48G.
Identifiers: ClinVar variation 858132 (VCV000858132.5), dbSNP rs749085589, ClinGen allele CA9231755.
Genomic context (GRCh38, chr19:12,807,023, plus strand): 5'-TGATTGGACCCCGGCTGCCAGAAAACTGACACCCCTTCTCCCCAGGCCCCATGGTCTACG[C>G]CATCTGTTATTGTCCCCTGCCTCGCCTGGCAGATCTGGAGGCGCTGAAAGTGGCAGGTGA-3'
Protein context (NP_006388.2, residues 38-58): RGPVLGPMVY[Ala48Gly]ICYCPLPRLA